The following is an entry in ClinVar:

NM_014053.4(FLVCR1):c.*1600G>A

Gene: FLVCR1 (FLVCR choline and heme transporter 1; plus strand). Cytogenetic location: 1q32.3.
Variant type: single nucleotide variant.
Coding change: c.*1600G>A on transcript NM_014053.4 (MANE Select); 1600 bases downstream of the stop codon, G replaced by A.
Molecular consequence: 3 prime UTR variant.
Genome position (GRCh38, 1-based): chr1:212,896,890, G>A. VCF-style: chr1-212896890-G-A. GRCh37 (hg19) VCF-style: chr1-213070232-G-A.
Identifiers: ClinVar variation 295359 (VCV000295359.6), dbSNP rs55793082, ClinGen allele CA10609086.
Genomic context (GRCh38, chr1:212,896,890, plus strand): 5'-CAACATGGTAAAACCCCATCTCTACTAAAAAAAAAAAAAAAAAAAAAAAAAAAAAAAAAG[G>A]CCAGGCGCAGTGCTGTGGCTCATGCCTGTAATCTCAGCACTTTGGGAGGCCAAGGCAGGT-3'

ClinVar aggregate classification (germline): Benign. Review status: criteria provided, multiple submitters, no conflicts (2 of 4 stars). 2 submissions from 2 submitters: Benign (2). Last evaluated 2018-01-12.

Conditions:
Posterior column ataxia-retinitis pigmentosa syndrome (RETSNS). Also called: RETINOPATHY-SENSORY NEUROPATHY SYNDROME. Identifiers: Orphanet 88628, MedGen C1836916, MONDO:0012177, OMIM 609033.

Allele frequency attached by ClinVar (database versions not stated): 1000 Genomes Project 0.28435; gnomAD 0.16870 and 0.17664.

Submissions (2):

Illumina Laboratory Services, Illumina
Classification: Benign for Posterior column ataxia-retinitis pigmentosa syndrome. Last evaluated: 2018-01-12. Review status: criteria provided, single submitter. Criteria: ICSL Variant Classification Criteria 13 December 2019. Collection method: clinical testing. Allele origin: germline.
Comment: This variant was observed in the ICSL laboratory as part of a predisposition screen in an ostensibly healthy population. It had not been previously curated by ICSL or reported in the Human Gene Mutation Database (HGMD: prior to June 1st, 2018), and was therefore a candidate for classification through an automated scoring system. Utilizing variant allele frequency, disease prevalence and penetrance estimates, and inheritance mode, an automated score was calculated to assess if this variant is too frequent to cause the disease. Based on the score and internal cut-off values, a variant classified as benign is not then subjected to further curation. The score for this variant resulted in a classification of benign for this disease.

Breakthrough Genomics
Classification: Benign. Review status: criteria provided, single submitter. Criteria: ACMG Guidelines, 2015. Collection method: not provided. Allele origin: germline. Inheritance: Autosomal recessive inheritance. Affected: yes.